The following is an entry in ClinVar:

NM_001130698.2(TRPC3):c.354C>T (p.Asp118=)

Gene: TRPC3 (transient receptor potential cation channel subfamily C member 3; minus strand). Cytogenetic location: 4q27.
Variant type: single nucleotide variant.
Coding change: c.354C>T on transcript NM_001130698.2 (MANE Select); coding-DNA position 354, C replaced by T.
Protein change: p.Asp118=; no amino-acid change (aspartic acid 118 retained).
Molecular consequence: synonymous variant.
Genome position (GRCh38, 1-based): chr4:121,932,904, G>A on the plus strand (C>T on the coding strand, the complement: TRPC3 is on the minus strand). VCF-style: chr4-121932904-G-A. GRCh37 (hg19) VCF-style: chr4-122854059-G-A.
Other names: c.354C>T, p.Asp118= (NM_001366479.2); c.135C>T, p.Asp45= (NM_003305.2); c.354C>T (NM_001130698.1).
Identifiers: ClinVar variation 2708779 (VCV002708779.5), dbSNP rs151159120, ClinGen allele CA3065169.
Genomic context (GRCh38, chr4:121,932,904, plus strand): 5'-CAGCGTCTTGGACTCCTCCAGCATCTTGCGCACCACTGGGATGTTGCCGTACTCGGCGGC[G>A]TCGAGGAAGCGCTCCTCCTCGGCGGTGAGGCTGGTGCCGCGGTCATTGAACATGAAGGCC-3'
Protein context (NP_001124170.1, residues 108-128): SLTAEEERFL[Asp118=]AAEYGNIPVV

ClinVar aggregate classification (germline): Benign. Review status: criteria provided, single submitter (1 of 4 stars). 2 submissions from 2 submitters: Benign (1). 1 of the submissions does not count toward it. Last evaluated 2025-09-24.

Conditions:
TRPC3-related disorder. Also called: TRPC3-related condition.

Allele frequency attached by ClinVar (database versions not stated): gnomAD exomes 0.00013; ExAC 0.00039; ESP Exome Variant Server 0.00085; gnomAD 0.00112; TOPMed 0.00134; 1000 Genomes Project 30x 0.00219; 1000 Genomes Project 0.00220.
gnomAD v4.1: 368 of 1,614,104 alleles (0.023%); highest among the groups gnomAD compares: African/African-American, 0.4%; 1 homozygote.

Submissions (2):

Labcorp Genetics (formerly Invitae), Labcorp
Classification: Benign. Last evaluated: 2025-09-24. Review status: criteria provided, single submitter. Criteria: Invitae Variant Classification Sherloc (09022015). Collection method: clinical testing. Allele origin: germline.

PreventionGenetics, part of Exact Sciences
Classification: Benign for TRPC3-related condition. Last evaluated: 2020-01-07. Review status: no assertion criteria provided. Collection method: clinical testing. Allele origin: germline. Not counted in ClinVar's aggregate classification.
Comment: This variant is classified as benign based on ACMG/AMP sequence variant interpretation guidelines (Richards et al. 2015 PMID: 25741868, with internal and published modifications).